The following is an entry in ClinVar:

NM_002769.5(PRSS1):c.35C>T (p.Ala12Val)

Genes: TRB (T cell receptor beta locus; plus strand), PRSS1 (serine protease 1; plus strand). Cytogenetic location: 7q34.
Variant type: single nucleotide variant.
Coding change: c.35C>T on transcript NM_002769.5 (MANE Select); coding-DNA position 35, C replaced by T.
Protein change: p.Ala12Val; replaces alanine 12 with valine.
Molecular consequence: missense variant.
Genome position (GRCh38, 1-based): chr7:142,749,519, C>T. VCF-style: chr7-142749519-C-T. GRCh37 (hg19) VCF-style: chr7-142457370-C-T.
Other names: short protein forms A12V.
Identifiers: ClinVar variation 580510 (VCV000580510.14), dbSNP rs772363999, ClinGen allele CA369607001.
Genomic context (GRCh38, chr7:142,749,519, plus strand): 5'-CCACCAGTCAGGCACACTCTACCACCATGAATCCACTCCTGATCCTTACCTTTGTGGCAG[C>T]TGCTCGTGAGTATCATGCCCTGCCTCAGGCCCCAACCACCCCCCCGTTCCTGGCCGACAA-3'
Protein context (NP_002760.1, residues 2-22): NPLLILTFVA[Ala12Val]ALAAPFDDDD

ClinVar aggregate classification (germline): Uncertain significance. Review status: criteria provided, multiple submitters, no conflicts (2 of 4 stars). 4 submissions from 4 submitters: Uncertain significance (4). Last evaluated 2025-06-03.

Conditions:
Hereditary pancreatitis (PCTT). Also called: PRSS1-Related Hereditary Pancreatitis; Hereditary chronic pancreatitis. Identifiers: Orphanet 676, MedGen C0238339, MONDO:0008185, OMIM 167800.

Allele frequency attached by ClinVar (database versions not stated): TOPMed 0.00001; gnomAD 0.00002.
gnomAD v4.1: 31 of 1,614,024 alleles (0.0019%); highest among the groups gnomAD compares: Non-Finnish European, 0.0026%; no homozygotes.

Submissions (4):

Ambry Genetics
Classification: Uncertain significance for Hereditary pancreatitis. Last evaluated: 2025-06-03. Review status: criteria provided, single submitter. Criteria: Ambry Variant Classification Scheme 2023. Collection method: clinical testing. Allele origin: germline.

Labcorp Genetics (formerly Invitae), Labcorp
Classification: Uncertain significance for Hereditary pancreatitis. Last evaluated: 2024-12-29. Review status: criteria provided, single submitter. Criteria: Invitae Variant Classification Sherloc (09022015). Collection method: clinical testing. Allele origin: germline.
Comment: This sequence change replaces alanine, which is neutral and non-polar, with valine, which is neutral and non-polar, at codon 12 of the PRSS1 protein (p.Ala12Val). The frequency data for this variant in the population databases is considered unreliable, as metrics indicate poor data quality at this position in the gnomAD database. This variant has not been reported in the literature in individuals affected with PRSS1-related conditions. ClinVar contains an entry for this variant (Variation ID: 580510). Invitae Evidence Modeling of protein sequence and biophysical properties (such as structural, functional, and spatial information, amino acid conservation, physicochemical variation, residue mobility, and thermodynamic stability) has been performed for this missense variant. However, the output from this modeling did not meet the statistical confidence thresholds required to predict the impact of this variant on PRSS1 protein function. In summary, the available evidence is currently insufficient to determine the role of this variant in disease. Therefore, it has been classified as a Variant of Uncertain Significance.

ARUP Laboratories, Molecular Genetics and Genomics, ARUP Laboratories
Classification: Uncertain significance for Hereditary pancreatitis. Last evaluated: 2024-09-26. Review status: criteria provided, single submitter. Criteria: ARUP Molecular Germline Variant Investigation Process 2024. Collection method: clinical testing. Allele origin: germline.
Comment: The PRSS1 c.35C>T; p.Ala12Val variant (rs772363999), to our knowledge, is not reported in the medical literature but is reported in ClinVar (Variation ID: 580510). This variant is only observed on two alleles in the Genome Aggregation Database (v2.1.1), indicating it is not a common polymorphism. Computational analyses are uncertain whether this variant is neutral or deleterious (REVEL: 0.491). Due to limited information, the clinical significance of this variant is uncertain at this time.

Women's Health and Genetics/Laboratory Corporation of America, LabCorp
Classification: Uncertain significance. Last evaluated: 2019-01-15. Review status: criteria provided, single submitter. Criteria: LabCorp Variant Classification Summary - May 2015. Collection method: clinical testing. Allele origin: germline.
Comment: Variant summary: PRSS1 c.35C>T (p.Ala12Val) results in a non-conservative amino acid change in the encoded protein sequence. Three of five in-silico tools predict a damaging effect of the variant on protein function. The variant allele was found at a frequency of 8.1e-06 in 246030 control chromosomes (gnomAD). The available data on variant occurrences in the general population are insufficient to allow any conclusion about variant significance. To our knowledge, no occurrence of c.35C>T in individuals affected with Chronic Pancreatitis Risk and no experimental evidence demonstrating its impact on protein function have been reported. A ClinVar submission from a clinical diagnostic laboratory (evaluation after 2014) cite the variant as uncertain significance. Based on the evidence outlined above, the variant was classified as uncertain significance.